The following is an entry in ClinVar:

ClinVar aggregate classification (germline): Uncertain significance. Review status: criteria provided, multiple submitters, no conflicts (2 of 4 stars). 2 submissions from 2 submitters: Uncertain significance (2). Last evaluated 2021-01-08.

Conditions:
Intellectual developmental disorder, autosomal recessive 57. Also called: Intellectual disability, autosomal recessive 57. Identifiers: MedGen C4310673, MONDO:0014962, OMIM 617188.
Inborn genetic diseases. Identifiers: MedGen C0950123, MeSH D030342.

Allele frequency attached by ClinVar (database versions not stated): gnomAD exomes 0.00001 and 0.00005; ExAC 0.00004; gnomAD 0.00004; TOPMed 0.00006.
gnomAD v4.1: 19 of 1,607,138 alleles (0.0012%); highest among the groups gnomAD compares: Admixed American, 0.03%; no homozygotes.

Submissions (2):

Ambry Genetics
Classification: Uncertain significance for Inborn genetic diseases. Last evaluated: 2021-01-08. Review status: criteria provided, single submitter. Criteria: Ambry Variant Classification Scheme 2023. Collection method: clinical testing. Allele origin: germline.

Baylor Genetics
Classification: Uncertain significance for Intellectual developmental disorder, autosomal recessive 57. Last evaluated: 2018-02-06. Review status: criteria provided, single submitter. Criteria: ACMG Guidelines, 2015. Collection method: clinical testing. Allele origin: unknown. Affected: yes.
Comment: This variant was determined to be of uncertain significance according to ACMG Guidelines, 2015 [PMID:25741868].

NM_024298.5(MBOAT7):c.1366A>G (p.Lys456Glu)

Gene: MBOAT7 (membrane bound acylglycerophosphatidylinositol O-acyltransferase MBOAT7; minus strand). Cytogenetic location: 19q13.42.
Variant type: single nucleotide variant.
Coding change: c.1366A>G on transcript NM_024298.5 (MANE Select); coding-DNA position 1366, A replaced by G.
Protein change: p.Lys456Glu; replaces lysine 456 with glutamic acid.
Molecular consequence: missense variant.
Genome position (GRCh38, 1-based): chr19:54,174,097, T>C on the plus strand (A>G on the coding strand, the complement: MBOAT7 is on the minus strand). VCF-style: chr19-54174097-T-C. GRCh37 (hg19) VCF-style: chr19-54677791-T-C.
Other names: c.1147A>G, p.Lys383Glu (NM_001146056.3, NM_001146083.3); short protein forms K383E, K456E.
Identifiers: ClinVar variation 1033619 (VCV001033619.4), dbSNP rs774928119, ClinGen allele CA309345184.